The following is an entry in ClinVar:

ClinVar aggregate classification (germline): Uncertain significance (1 of 4 stars; one submission).

Conditions:
Inborn genetic diseases. Identifiers: MedGen C0950123, MeSH D030342.

Allele frequency attached by ClinVar (database versions not stated): gnomAD exomes below 0.00001.
gnomAD v4.1: 3 of 1,613,284 alleles (0.00019%); highest among the groups gnomAD compares: Non-Finnish European, 0.00025%; no homozygotes.

Submission:

Ambry Genetics
Classification: Uncertain significance for Inborn genetic diseases. Last evaluated: 2022-12-15. Review status: criteria provided, single submitter. Criteria: Ambry Variant Classification Scheme 2023. Collection method: clinical testing. Allele origin: germline.
Comment: The p.E517K variant (also known as c.1549G>A), located in coding exon 12 of the BUB1B gene, results from a G to A substitution at nucleotide position 1549. The glutamic acid at codon 517 is replaced by lysine, an amino acid with similar properties. This amino acid position is conserved. In addition, this alteration is predicted to be tolerated by in silico analysis. Since supporting evidence is limited at this time, the clinical significance of this alteration remains unclear.

NM_001211.6(BUB1B):c.1549G>A (p.Glu517Lys)

Gene: BUB1B (BUB1 mitotic checkpoint serine/threonine kinase B; plus strand). Cytogenetic location: 15q15.1.
Variant type: single nucleotide variant.
Coding change: c.1549G>A on transcript NM_001211.6 (MANE Select); coding-DNA position 1549, G replaced by A.
Protein change: p.Glu517Lys; replaces glutamic acid 517 with lysine.
Molecular consequence: missense variant.
Genome position (GRCh38, 1-based): chr15:40,200,962, G>A. VCF-style: chr15-40200962-G-A. GRCh37 (hg19) VCF-style: chr15-40493163-G-A.
Other names: short protein forms E517K.
Identifiers: ClinVar variation 2450816 (VCV002450816.2), dbSNP rs2542557158, ClinGen allele CA391690767.
Genomic context (GRCh38, chr15:40,200,962, plus strand): 5'-CACATGATTTAAAACAAGTTTCTTTACAGAGAAACTTCACTTGCGGAGAACATTTGGCAG[G>A]AACAACCTCATTCTAAAGGTGAGTTGTATTTGACAGCCTTGAGAAGAACTTGCTGATAAC-3'
Protein context (NP_001202.5, residues 507-527): ETSLAENIWQ[Glu517Lys]QPHSKGPSVP